The following is an entry in ClinVar:

NM_152703.5(SAMD9L):c.3753C>A (p.Ser1251Arg)

Gene: SAMD9L (sterile alpha motif domain containing 9 like; minus strand). Cytogenetic location: 7q21.2.
Variant type: single nucleotide variant.
Coding change: c.3753C>A on transcript NM_152703.5 (MANE Select); coding-DNA position 3753, C replaced by A.
Protein change: p.Ser1251Arg; replaces serine 1251 with arginine.
Molecular consequence: missense variant.
Genome position (GRCh38, 1-based): chr7:93,132,219, G>T on the plus strand (C>A on the coding strand, the complement: SAMD9L is on the minus strand). VCF-style: chr7-93132219-G-T. GRCh37 (hg19) VCF-style: chr7-92761532-G-T.
Other names: c.3753C>A, p.Ser1251Arg (NM_001303496.3, NM_001303497.3, NM_001303498.3 and 5 more transcripts); short protein forms S1251R.
Identifiers: ClinVar variation 4159353 (VCV004159353.2).
Genomic context (GRCh38, chr7:93,132,219, plus strand): 5'-AAAAAAGTCAAAGCACCTTTTCAGATCTGATTGTAAATTTTTTAGGTGGGATGTGAACTT[G>T]CTAAGAGCCAAATAACATTCATTTCTGGGATCAGGAGGAATGGTCCACTTTCCTGATAAA-3'
Protein context (NP_689916.2, residues 1241-1261): DPRNECYLAL[Ser1251Arg]KFTSHLKNLQ

ClinVar aggregate classification (germline): Conflicting classifications of pathogenicity. Review status: criteria provided, conflicting classifications (1 of 4 stars). 2 submissions from 2 submitters: Uncertain significance (1); Likely benign (1). Last evaluated 2025-07-25.

Conditions:
Inborn genetic diseases. Identifiers: MedGen C0950123, MeSH D030342.

Submissions (2):

Ambry Genetics
Classification: Uncertain significance for Inborn genetic diseases. Last evaluated: 2025-07-25. Review status: criteria provided, single submitter. Criteria: Ambry Variant Classification Scheme 2023. Collection method: clinical testing. Allele origin: germline.
Comment: The p.S1251R variant (also known as c.3753C>A), located in coding exon 1 of the SAMD9L gene, results from a C to A substitution at nucleotide position 3753. The serine at codon 1251 is replaced by arginine, an amino acid with dissimilar properties. This amino acid position is conserved. In addition, this alteration is predicted to be tolerated by in silico analysis. Based on the available evidence, the clinical significance of this variant remains unclear.

Blueprint Genetics
Classification: Likely benign. Last evaluated: 2021-06-03. Review status: criteria provided, single submitter. Criteria: ACMG Guidelines, 2015. Collection method: clinical testing. Allele origin: germline.